The following is an entry in ClinVar:

ClinVar aggregate classification (germline): Likely benign (1 of 4 stars; one submission).

Submission:

CeGaT Center for Human Genetics Tuebingen
Classification: Likely benign. Last evaluated: 2022-07-01. Review status: criteria provided, single submitter. Criteria: CeGaT Center For Human Genetics Tuebingen Variant Classification Criteria Version 2. Collection method: clinical testing. Allele origin: germline. Affected: yes. Observed: 1 variant allele.
Comment: UCHL1: PM2:Supporting, BP4, BP7

NM_004181.5(UCHL1):c.315A>G (p.Lys105=)

Gene: UCHL1 (ubiquitin C-terminal hydrolase L1; plus strand). Cytogenetic location: 4p13.
Variant type: single nucleotide variant.
Coding change: c.315A>G on transcript NM_004181.5 (MANE Select); coding-DNA position 315, A replaced by G.
Protein change: p.Lys105=; no amino-acid change (lysine 105 retained).
Molecular consequence: synonymous variant.
Genome position (GRCh38, 1-based): chr4:41,260,787, A>G. VCF-style: chr4-41260787-A-G. GRCh37 (hg19) VCF-style: chr4-41262804-A-G.
Identifiers: ClinVar variation 2654739 (VCV002654739.24), dbSNP rs2551922533, ClinGen allele CA438973639.